The following is an entry in ClinVar:

ClinVar aggregate classification (germline): Likely pathogenic (1 of 4 stars; one submission).

Conditions:
Autosomal recessive limb-girdle muscular dystrophy type 2J (LGMDR10). Also called: Limb-girdle muscular dystrophy, type 2J; MUSCULAR DYSTROPHY, LIMB-GIRDLE, AUTOSOMAL RECESSIVE 10. Identifiers: Orphanet 140922, MedGen C1837342, MONDO:0012127, OMIM 608807.
Dilated cardiomyopathy 1G (CMD1G). Identifiers: Orphanet 154, MedGen C1858763, MONDO:0011400, OMIM 604145.

Submission:

Labcorp Genetics (formerly Invitae), Labcorp
Classification: Likely pathogenic for Dilated cardiomyopathy 1G; Autosomal recessive limb-girdle muscular dystrophy type 2J. Last evaluated: 2024-10-18. Review status: criteria provided, single submitter. Criteria: Invitae Variant Classification Sherloc (09022015). Collection method: clinical testing. Allele origin: germline.
Comment: This sequence change creates a premature translational stop signal (p.Pro4169Leufs*38) in the TTN gene. While this is not anticipated to result in nonsense mediated decay, it is expected to create a truncated TTN protein. This variant is not present in population databases (gnomAD no frequency). This variant has not been observed in the literature in individuals with autosomal recessive TTN-related conditions. This variant has been reported in individual(s) with autosomal dominant dilated cardiomyopathy (internal data); however, the role of the variant in this condition is currently unclear. ClinVar contains an entry for this variant (Variation ID: 466799). This variant is located in the I band of TTN (PMID: 25589632). Truncating variants in this region have been reported in individuals affected with autosomal recessive centronuclear myopathy (PMID: 23975875, internal data). Truncating variants in this region have also been identified in individuals affected with autosomal dominant dilated cardiomyopathy and/or cardio-related conditions (PMID: 27869827, 32964742, internal data). In summary, the currently available evidence indicates that the variant is pathogenic, but additional data are needed to prove that conclusively. Therefore, this variant has been classified as Likely Pathogenic.

Literature cited by the submitters: PubMed 25589632; PubMed 23975875; PubMed 27869827; PubMed 32964742.

NM_001267550.2(TTN):c.12397_12505dup (p.Pro4169fs)

Gene: TTN (titin; minus strand). Cytogenetic location: 2q31.2.
Variant type: Duplication.
Coding change: c.12397_12505dup on transcript NM_001267550.2 (MANE Select); coding-DNA positions 12397 to 12505, 109 bases duplicated.
Protein change: p.Pro4169fs; shifts the reading frame from proline 4169.
Molecular consequence: frameshift variant. On other transcripts: intron variant (1).
Genome position (GRCh38, 1-based): chr2:178,740,728-178,740,836, 109 bases duplicated. GRCh37 (hg19): chr2:179,605,455-179,605,563.
Other names: c.11446_11554dup, p.Pro3852fs (NM_001256850.1); c.11308_11416dup, p.Pro3806fs (NM_003319.4); c.11683_11791dup, p.Pro3931fs (NM_133432.3); c.11884_11992dup, p.Pro3998fs (NM_133437.4); c.10361-2476_10361-2368dup (NM_133378.4); short protein forms P3998fs, P3852fs, P4169fs, P3931fs, P3806fs.
Identifiers: ClinVar variation 466799 (VCV000466799.9), dbSNP rs1553939638, ClinGen allele CA658657179.